The following is an entry in ClinVar:

ClinVar aggregate classification (germline): Uncertain significance (1 of 4 stars; one submission).

Conditions:
Autosomal dominant intellectual disability-craniofacial anomalies-cardiac defects syndrome (ARTHS). Also called: KAT6A syndrome; Mental retardation, autosomal dominant 32; Arboleda-Tham syndrome. Identifiers: Orphanet 457193, MedGen C4225396, MONDO:0014558, OMIM 616268.

Submission:

Baylor Genetics
Classification: Uncertain significance for Autosomal dominant intellectual disability-craniofacial anomalies-cardiac defects syndrome. Last evaluated: 2020-05-05. Review status: criteria provided, single submitter. Criteria: ACMG Guidelines, 2015. Collection method: clinical testing. Allele origin: unknown. Affected: yes.
Comment: This variant was determined to be of uncertain significance according to ACMG Guidelines, 2015 [PMID:25741868].

NM_006766.5(KAT6A):c.5207C>T (p.Pro1736Leu)

Gene: KAT6A (lysine acetyltransferase 6A; minus strand). Cytogenetic location: 8p11.21.
Variant type: single nucleotide variant.
Coding change: c.5207C>T on transcript NM_006766.5 (MANE Select); coding-DNA position 5207, C replaced by T.
Protein change: p.Pro1736Leu; replaces proline 1736 with leucine.
Molecular consequence: missense variant.
Genome position (GRCh38, 1-based): chr8:41,933,013, G>A on the plus strand (C>T on the coding strand, the complement: KAT6A is on the minus strand). VCF-style: chr8-41933013-G-A. GRCh37 (hg19) VCF-style: chr8-41790531-G-A.
Other names: short protein forms P1736L.
Identifiers: ClinVar variation 1028559 (VCV001028559.1), dbSNP rs867327550, ClinGen allele CA175938711.